The following is an entry in ClinVar:

NM_006258.4(PRKG1):c.616G>T (p.Ala206Ser)

Gene: PRKG1 (protein kinase cGMP-dependent 1; plus strand). Cytogenetic location: 10q21.1.
Variant type: single nucleotide variant.
Coding change: c.616G>T on transcript NM_006258.4 (MANE Select); coding-DNA position 616, G replaced by T.
Protein change: p.Ala206Ser; replaces alanine 206 with serine.
Molecular consequence: missense variant.
Genome position (GRCh38, 1-based): chr10:51,804,608, G>T. VCF-style: chr10-51804608-G-T. GRCh37 (hg19) VCF-style: chr10-53564368-G-T.
Other names: c.571G>T, p.Ala191Ser (NM_001098512.3); c.616G>T, p.Ala206Ser (NM_001374782.1); short protein forms A191S, A206S.
Identifiers: ClinVar variation 4721918 (VCV004721918.1).

ClinVar aggregate classification (germline): Uncertain significance (1 of 4 stars; one submission).

Conditions:
Aortic aneurysm, familial thoracic 8 (AAT8). Identifiers: MedGen C3809513, MONDO:0014187, OMIM 615436.

Submission:

Labcorp Genetics (formerly Invitae), Labcorp
Classification: Uncertain significance for Aortic aneurysm, familial thoracic 8. Last evaluated: 2025-06-27. Review status: criteria provided, single submitter. Criteria: Invitae Variant Classification Sherloc (09022015). Collection method: clinical testing. Allele origin: germline.
Comment: This sequence change replaces alanine, which is neutral and non-polar, with serine, which is neutral and polar, at codon 206 of the PRKG1 protein (p.Ala206Ser). This variant is not present in population databases (gnomAD no frequency). This variant has not been reported in the literature in individuals affected with PRKG1-related conditions. An algorithm developed to predict the effect of missense changes on protein structure and function (PolyPhen-2) suggests that this variant is likely to be tolerated. In summary, the available evidence is currently insufficient to determine the role of this variant in disease. Therefore, it has been classified as a Variant of Uncertain Significance.